The following is an entry in ClinVar:

NM_004612.4(TGFBR1):c.1232T>C (p.Ile411Thr)

Gene: TGFBR1 (transforming growth factor beta receptor 1; plus strand). Cytogenetic location: 9q22.33.
Variant type: single nucleotide variant.
Coding change: c.1232T>C on transcript NM_004612.4 (MANE Select); coding-DNA position 1232, T replaced by C.
Protein change: p.Ile411Thr; replaces isoleucine 411 with threonine.
Molecular consequence: missense variant. On other transcripts: non-coding transcript variant (1).
Genome position (GRCh38, 1-based): chr9:99,146,586, T>C. VCF-style: chr9-99146586-T-C. GRCh37 (hg19) VCF-style: chr9-101908868-T-C.
Other names: c.1001T>C, p.Ile334Thr (NM_001130916.3, NM_001407435.1); c.1244T>C, p.Ile415Thr (NM_001306210.2); c.1076T>C, p.Ile359Thr (NM_001407416.1); c.1064T>C, p.Ile355Thr (NM_001407417.1); c.1037T>C, p.Ile346Thr (NM_001407418.1, NM_001407419.1, NM_001407420.1 and 1 more transcripts); c.1025T>C, p.Ile342Thr (NM_001407423.1, NM_001407424.1, NM_001407425.1 and 8 more transcripts); c.986T>C, p.Ile329Thr (NM_001407436.1); c.524T>C, p.Ile175Thr (NM_001407437.1); and 1 more; short protein forms I334T, I342T, I359T, I175T, I252T, I415T, I355T, I411T.
Identifiers: ClinVar variation 4635585 (VCV004635585.1).

ClinVar aggregate classification (germline): Uncertain significance (1 of 4 stars; one submission).

Conditions:
Familial thoracic aortic aneurysm and aortic dissection (TAAD). Also called: Thoracic aortic aneurysms and dissections. Identifiers: Orphanet 91387, MedGen C4707243, MONDO:0019625.

gnomAD v4.1: 2 of 1,613,980 alleles (0.00012%); highest among the groups gnomAD compares: East Asian, 0.0022%; no homozygotes.

Submission:

Ambry Genetics
Classification: Uncertain significance for Familial thoracic aortic aneurysm and aortic dissection. Last evaluated: 2025-11-07. Review status: criteria provided, single submitter. Criteria: Ambry Variant Classification Scheme 2023. Collection method: clinical testing. Allele origin: germline.
Comment: The p.I411T variant (also known as c.1232T>C), located in coding exon 7 of the TGFBR1 gene, results from a T to C substitution at nucleotide position 1232. The isoleucine at codon 411 is replaced by threonine, an amino acid with similar properties. This amino acid position is conserved. In addition, this alteration is predicted to be deleterious by in silico analysis. Based on the available evidence, the clinical significance of this variant remains unclear.